The following is an entry in ClinVar:

ClinVar aggregate classification (germline): Uncertain significance (1 of 4 stars; one submission).

Conditions:
Hereditary cancer-predisposing syndrome. Also called: Neoplastic Syndromes, Hereditary; Hereditary Cancer Syndrome; Tumor predisposition; Hereditary neoplastic syndrome. Identifiers: Orphanet 140162, MedGen C0027672, MeSH D009386, MONDO:0015356.

Submission:

Ambry Genetics
Classification: Uncertain significance for Hereditary cancer-predisposing syndrome. Last evaluated: 2025-02-28. Review status: criteria provided, single submitter. Criteria: Ambry Variant Classification Scheme 2023. Collection method: clinical testing. Allele origin: germline.
Comment: The p.D285E variant (also known as c.855T>G), located in coding exon 6 of the RAD50 gene, results from a T to G substitution at nucleotide position 855. The aspartic acid at codon 285 is replaced by glutamic acid, an amino acid with highly similar properties. This amino acid position is conserved. In addition, this alteration is predicted to be tolerated by in silico analysis. Based on the available evidence, the clinical significance of this variant remains unclear.

NM_005732.4(RAD50):c.855T>G (p.Asp285Glu)

Gene: RAD50 (RAD50 double strand break repair protein; plus strand). Cytogenetic location: 5q31.1.
Variant type: single nucleotide variant.
Coding change: c.855T>G on transcript NM_005732.4 (MANE Select); coding-DNA position 855, T replaced by G.
Protein change: p.Asp285Glu; replaces aspartic acid 285 with glutamic acid.
Molecular consequence: missense variant.
Genome position (GRCh38, 1-based): chr5:132,587,660, T>G. VCF-style: chr5-132587660-T-G. GRCh37 (hg19) VCF-style: chr5-131923352-T-G.
Other names: short protein forms D285E.
Identifiers: ClinVar variation 3786320 (VCV003786320.1).
Genomic context (GRCh38, chr5:132,587,660, plus strand): 5'-AATGAAACTTGACAATGAAATTAAAGCCTTGGATAGCCGAAAGAAGCAAATGGAGAAAGA[T>G]AATAGTGAACTGGAAGAGAAAATGGAAAAGGTTTGTGGTGGTAGAATTTTGTTCTGCTTC-3'
Protein context (NP_005723.2, residues 275-295): LDSRKKQMEK[Asp285Glu]NSELEEKMEK